The following is an entry in ClinVar:

NM_181783.4(TMTC3):c.399C>T (p.His133=)

Gene: TMTC3 (transmembrane O-mannosyltransferase targeting cadherins 3; plus strand). Cytogenetic location: 12q21.32.
Variant type: single nucleotide variant.
Coding change: c.399C>T on transcript NM_181783.4 (MANE Select); coding-DNA position 399, C replaced by T.
Protein change: p.His133=; no amino-acid change (histidine 133 retained).
Molecular consequence: synonymous variant. On other transcripts: non-coding transcript variant (1), intron variant (2).
Genome position (GRCh38, 1-based): chr12:88,153,500, C>T. VCF-style: chr12-88153500-C-T. GRCh37 (hg19) VCF-style: chr12-88547277-T-T.
Other names: c.219C>T, p.His73= (NM_001366574.1); c.132C>T, p.His44= (NM_001366580.1); c.190-788C>T (NM_001366579.1); c.-285-788C>T (NM_001366583.1).
Identifiers: ClinVar variation 2042401 (VCV002042401.4), dbSNP rs2468230, ClinGen allele CA241178394.

ClinVar aggregate classification (germline): Uncertain significance (1 of 4 stars; one submission).

Allele frequency attached by ClinVar (database versions not stated): gnomAD 0.00012; gnomAD exomes 0.00001; TOPMed 0.00015; 1000 Genomes Project 30x 0.00031.
gnomAD v4.1: 40 of 1,595,558 alleles (0.0025%); highest among the groups gnomAD compares: African/African-American, 0.044%; no homozygotes.

Submission:

Labcorp Genetics (formerly Invitae), Labcorp
Classification: Uncertain significance. Last evaluated: 2022-03-13. Review status: criteria provided, single submitter. Criteria: Invitae Variant Classification Sherloc (09022015). Collection method: clinical testing. Allele origin: germline.
Comment: Experimental studies and prediction algorithms are not available or were not evaluated, and the effect of this variant on mRNA splicing is currently unknown. In summary, the available evidence is currently insufficient to determine the role of this variant in disease. Therefore, it has been classified as a Variant of Uncertain Significance. This variant has not been reported in the literature in individuals affected with TMTC3-related conditions. This variant is present in population databases (no rsID available, gnomAD 0.04%). This sequence change affects codon 133 of the TMTC3 mRNA. It is a 'silent' change, meaning that it does not change the encoded amino acid sequence of the TMTC3 protein.